The following is an entry in ClinVar:

NM_004525.3(LRP2):c.7843A>G (p.Ile2615Val)

Gene: LRP2 (LDL receptor related protein 2; minus strand). Cytogenetic location: 2q31.1.
Variant type: single nucleotide variant.
Coding change: c.7843A>G on transcript NM_004525.3 (MANE Select); coding-DNA position 7843, A replaced by G.
Protein change: p.Ile2615Val; replaces isoleucine 2615 with valine.
Molecular consequence: missense variant.
Genome position (GRCh38, 1-based): chr2:169,204,144, T>C on the plus strand (A>G on the coding strand, the complement: LRP2 is on the minus strand). VCF-style: chr2-169204144-T-C. GRCh37 (hg19) VCF-style: chr2-170060654-T-C.
Other names: short protein forms I2615V.
Identifiers: ClinVar variation 1505593 (VCV001505593.8), dbSNP rs2105329426, ClinGen allele CA349167504.
Genomic context (GRCh38, chr2:169,204,144, plus strand): 5'-AGAGCAAATTTGTGGTCATTGCAATCTGACCTGACCCGTCATATTTGTTAGCTCGGTAAA[T>C]TCTTTGTGTGTACAAGTCAGTCCAGTAAATATACTGGCCATAGAGAGTCAAGCCAAAAGC-3'
Protein context (NP_004516.2, residues 2605-2625): IYWTDLYTQR[Ile2615Val]YRANKYDGSG

ClinVar aggregate classification (germline): Uncertain significance (1 of 4 stars; one submission).

Submission:

Labcorp Genetics (formerly Invitae), Labcorp
Classification: Uncertain significance. Last evaluated: 2022-10-24. Review status: criteria provided, single submitter. Criteria: Invitae Variant Classification Sherloc (09022015). Collection method: clinical testing. Allele origin: germline.
Comment: This sequence change replaces isoleucine, which is neutral and non-polar, with valine, which is neutral and non-polar, at codon 2615 of the LRP2 protein (p.Ile2615Val). In summary, the available evidence is currently insufficient to determine the role of this variant in disease. Therefore, it has been classified as a Variant of Uncertain Significance. Advanced modeling of protein sequence and biophysical properties (such as structural, functional, and spatial information, amino acid conservation, physicochemical variation, residue mobility, and thermodynamic stability) performed at Invitae indicates that this missense variant is not expected to disrupt LRP2 protein function. This variant has not been reported in the literature in individuals affected with LRP2-related conditions. This variant is not present in population databases (gnomAD no frequency).